The following is an entry in ClinVar:

ClinVar aggregate classification (germline): Uncertain significance. Review status: criteria provided, multiple submitters, no conflicts (2 of 4 stars). 2 submissions from 2 submitters: Uncertain significance (2). Last evaluated 2024-05-30.

Conditions:
Adams-Oliver syndrome 5 (AOS5). Identifiers: Orphanet 974, MedGen C4014970, MONDO:0014459, OMIM 616028.

Submissions (2):

GeneDx
Classification: Uncertain significance. Last evaluated: 2024-05-30. Review status: criteria provided, single submitter. Criteria: GeneDx Variant Classification Process June 2021. Collection method: clinical testing. Allele origin: germline. Affected: yes.
Comment: Not observed at significant frequency in large population cohorts (gnomAD); In silico analysis supports that this missense variant has a deleterious effect on protein structure/function; Has not been previously published as pathogenic or benign to our knowledge

Labcorp Genetics (formerly Invitae), Labcorp
Classification: Uncertain significance for Adams-Oliver syndrome 5. Last evaluated: 2022-06-19. Review status: criteria provided, single submitter. Criteria: Invitae Variant Classification Sherloc (09022015). Collection method: clinical testing. Allele origin: germline.
Comment: This variant has not been reported in the literature in individuals affected with NOTCH1-related conditions. Algorithms developed to predict the effect of missense changes on protein structure and function (SIFT, PolyPhen-2, Align-GVGD) all suggest that this variant is likely to be disruptive. In summary, the available evidence is currently insufficient to determine the role of this variant in disease. Therefore, it has been classified as a Variant of Uncertain Significance. This variant is not present in population databases (gnomAD no frequency). This sequence change replaces glycine, which is neutral and non-polar, with arginine, which is basic and polar, at codon 936 of the NOTCH1 protein (p.Gly936Arg).

NM_017617.5(NOTCH1):c.2806G>C (p.Gly936Arg)

Gene: NOTCH1 (notch receptor 1; minus strand). Cytogenetic location: 9q34.3.
Variant type: single nucleotide variant.
Coding change: c.2806G>C on transcript NM_017617.5 (MANE Select); coding-DNA position 2806, G replaced by C.
Protein change: p.Gly936Arg; replaces glycine 936 with arginine.
Molecular consequence: missense variant.
Genome position (GRCh38, 1-based): chr9:136,509,896, C>G on the plus strand (G>C on the coding strand, the complement: NOTCH1 is on the minus strand). VCF-style: chr9-136509896-C-G. GRCh37 (hg19) VCF-style: chr9-139404348-C-G.
Other names: c.2806G>C (NM_017617.3); short protein forms G936R.
Identifiers: ClinVar variation 1973638 (VCV001973638.6), dbSNP rs773847667, ClinGen allele CA375553795.